The following is an entry in ClinVar:

ClinVar aggregate classification (germline): Pathogenic. Review status: reviewed by expert panel (3 of 4 stars). 4 submissions from 4 submitters: Pathogenic (1). 3 of the submissions do not count toward it. Last evaluated 2016-09-08.

Conditions:
Hereditary cancer-predisposing syndrome. Also called: Tumor predisposition; Hereditary Cancer Syndrome; Neoplastic Syndromes, Hereditary; Hereditary neoplastic syndrome. Identifiers: Orphanet 140162, MedGen C0027672, MeSH D009386, MONDO:0015356.
Hereditary breast ovarian cancer syndrome. Also called: Hereditary breast and ovarian cancer; Breast and ovarian cancer; Hereditary breast and/or ovarian cancer syndrome; BRCA1- and BRCA2-Associated Hereditary Breast and Ovarian Cancer; Hereditary breast and ovarian cancer syndrome; Hereditary breast and ovarian cancer syndrome (HBOC). Identifiers: Orphanet 145, MedGen C0677776, MeSH D061325, MONDO:0003582. Disease mechanism: loss of function.
Breast-ovarian cancer, familial, susceptibility to, 2 (BROVCA2). Also called: BRCA2 Hereditary Breast and Ovarian Cancer. Identifiers: Orphanet 145, MedGen C2675520, MONDO:0012933, OMIM 612555. Disease mechanism: loss of function.

Submissions (4):

Evidence-based Network for the Interpretation of Germline Mutant Alleles (ENIGMA)
Classification: Pathogenic for Breast-ovarian cancer, familial, susceptibility to, 2. Last evaluated: 2016-09-08. Review status: reviewed by expert panel. Criteria: ENIGMA BRCA1/2 Classification Criteria (2015). Collection method: curation. Allele origin: germline.
Comment: Variant allele predicted to encode a truncated non-functional protein.

Ambry Genetics
Classification: Pathogenic for Hereditary cancer-predisposing syndrome. Last evaluated: 2025-09-22. Review status: criteria provided, single submitter. Criteria: Ambry Variant Classification Scheme 2023. Collection method: clinical testing. Allele origin: germline. Not counted in ClinVar's aggregate classification.
Comment: The c.3864_3865delTA pathogenic mutation, located in coding exon 10 of the BRCA2 gene, results from a deletion of two nucleotides at nucleotide positions 3864 to 3865, causing a translational frameshift with a predicted alternate stop codon (p.N1288Kfs*9). This variant is considered to be rare based on population cohorts in the Genome Aggregation Database (gnomAD). This alteration is expected to result in loss of function by premature protein truncation or nonsense-mediated mRNA decay. As such, this alteration is interpreted as a disease-causing mutation.

Labcorp Genetics (formerly Invitae), Labcorp
Classification: Pathogenic for Hereditary breast ovarian cancer syndrome. Last evaluated: 2024-05-01. Review status: criteria provided, single submitter. Criteria: Invitae Variant Classification Sherloc (09022015). Collection method: clinical testing. Allele origin: germline. Not counted in ClinVar's aggregate classification.
Comment: This sequence change creates a premature translational stop signal (p.Asn1288Lysfs*9) in the BRCA2 gene. It is expected to result in an absent or disrupted protein product. Loss-of-function variants in BRCA2 are known to be pathogenic (PMID: 20104584). This variant is not present in population databases (gnomAD no frequency). This premature translational stop signal has been observed in individual(s) with breast and/or ovarian cancer (PMID: 16683254). ClinVar contains an entry for this variant (Variation ID: 254528). For these reasons, this variant has been classified as Pathogenic.

GeneDx
Classification: Pathogenic. Last evaluated: 2019-03-27. Review status: criteria provided, single submitter. Criteria: GeneDx Variant Classification Process June 2021. Collection method: clinical testing. Allele origin: germline. Affected: yes. Not counted in ClinVar's aggregate classification.
Comment: Frameshift variant predicted to result in protein truncation or nonsense mediated decay in a gene for which loss-of-function is a known mechanism of disease; Not observed in large population cohorts (Lek 2016); Truncating variants in this gene are considered pathogenic by a well-established clinical consortium and/or database; Has not been previously published as pathogenic or benign to our knowledge; Also known as BRCA2 4092_4093delTA

Literature cited by the submitters: PubMed 20104584 (cited by Labcorp Genetics (formerly Invitae), Labcorp); PubMed 16683254 (cited by Labcorp Genetics (formerly Invitae), Labcorp).

NM_000059.4(BRCA2):c.3864_3865del (p.Asn1288fs)

Gene: BRCA2 (BRCA2 DNA repair associated; plus strand). Cytogenetic location: 13q13.1.
Variant type: Deletion.
Coding change: c.3864_3865del on transcript NM_000059.4 (MANE Select); coding-DNA positions 3864 to 3865, 2 bases deleted (TA; older notation c.3864_3865delTA).
Protein change: p.Asn1288fs; shifts the reading frame from asparagine 1288.
Molecular consequence: frameshift variant.
Genome position (GRCh38, 1-based): chr13:32,338,219-32,338,220, TA deleted; deleting any 2 consecutive bases within chr13:32,338,218-32,338,220 gives the same sequence; the c. name uses the placement nearest the transcript's 3' end. VCF-style (leftmost placement, unchanged base first): chr13-32338217-AAT-A. GRCh37 (hg19) VCF-style: chr13-32912354-AAT-A.
Other names: c.3864_3865delTA (NM_000059.3); short protein forms N1288fs.
Identifiers: ClinVar variation 254528 (VCV000254528.16), dbSNP rs886038098, ClinGen allele CA10586518.